The following is an entry in ClinVar:

ClinVar aggregate classification (germline): Uncertain significance (1 of 4 stars; one submission).

Submission:

GeneDx
Classification: Uncertain significance. Last evaluated: 2025-03-05. Review status: criteria provided, single submitter. Criteria: GeneDx Variant Classification Process June 2021. Collection method: clinical testing. Allele origin: germline. Affected: yes.
Comment: Not observed at significant frequency in large population cohorts (gnomAD); In silico analysis supports that this missense variant has a deleterious effect on protein structure/function; Has not been previously published as pathogenic or benign to our knowledge

NM_000444.6(PHEX):c.1771A>G (p.Arg591Gly)

Genes: PHEX (phosphate regulating endopeptidase X-linked; plus strand), PTCHD1-AS (PTCHD1 and PHEX antisense RNA; minus strand). Cytogenetic location: Xp22.11.
Variant type: single nucleotide variant.
Coding change: c.1771A>G on transcript NM_000444.6 (MANE Select); coding-DNA position 1771, A replaced by G.
Protein change: p.Arg591Gly; replaces arginine 591 with glycine.
Molecular consequence: missense variant.
Genome position (GRCh38, 1-based): chrX:22,221,615, A>G. VCF-style: chrX-22221615-A-G. GRCh37 (hg19) VCF-style: chrX-22239732-A-G.
Other names: c.1771A>G, p.Arg591Gly (NM_001282754.2); short protein forms R591G.
Identifiers: ClinVar variation 4083480 (VCV004083480.1).